The following is an entry in ClinVar:

ClinVar aggregate classification (germline): Likely benign. Review status: criteria provided, multiple submitters, no conflicts (2 of 4 stars). 2 submissions from 2 submitters: Likely benign (2). Last evaluated 2024-11-02.

Conditions:
PROK2-related disorder. Also called: PROK2-related condition.

Allele frequency attached by ClinVar (database versions not stated): gnomAD exomes below 0.00001; ESP Exome Variant Server 0.00008.
gnomAD v4.1: 8 of 1,608,996 alleles (0.0005%); highest among the groups gnomAD compares: East Asian, 0.0022%; no homozygotes.

Submissions (2):

PreventionGenetics, part of Exact Sciences
Classification: Likely benign for PROK2-related condition. Last evaluated: 2024-11-02. Review status: criteria provided, single submitter. Criteria: ACMG Guidelines, 2015. Collection method: clinical testing. Allele origin: germline.
Comment: This variant is classified as likely benign based on ACMG/AMP sequence variant interpretation guidelines (Richards et al. 2015 PMID: 25741868, with internal and published modifications).

Labcorp Genetics (formerly Invitae), Labcorp
Classification: Likely benign. Last evaluated: 2018-05-30. Review status: criteria provided, single submitter. Criteria: Invitae Variant Classification Sherloc (09022015). Collection method: clinical testing. Allele origin: germline.

NM_001126128.2(PROK2):c.97-9A>G

Gene: PROK2 (prokineticin 2; minus strand). Cytogenetic location: 3p13.
Variant type: single nucleotide variant.
Coding change: c.97-9A>G on transcript NM_001126128.2 (MANE Select); 9 bases into the intron before coding-DNA position 97, A replaced by G.
Molecular consequence: intron variant.
Genome position (GRCh38, 1-based): chr3:71,781,601, T>C on the plus strand (A>G on the coding strand, the complement: PROK2 is on the minus strand). VCF-style: chr3-71781601-T-C. GRCh37 (hg19) VCF-style: chr3-71830752-T-C.
Other names: c.97-9A>G (NM_021935.4).
Identifiers: ClinVar variation 703667 (VCV000703667.4), dbSNP rs373360007, ClinGen allele CA76546090.